The following is an entry in ClinVar:

ClinVar aggregate classification (germline): Pathogenic (1 of 4 stars; one submission).

Submission:

Labcorp Genetics (formerly Invitae), Labcorp
Classification: Pathogenic. Last evaluated: 2023-06-23. Review status: criteria provided, single submitter. Criteria: Invitae Variant Classification Sherloc (09022015). Collection method: clinical testing. Allele origin: germline.
Comment: This variant is present in population databases (rs779658836, gnomAD 0.0009%). This variant has not been reported in the literature in individuals affected with LAMC2-related conditions. ClinVar contains an entry for this variant (Variation ID: 1987654). For these reasons, this variant has been classified as Pathogenic. This sequence change creates a premature translational stop signal (p.Asp718Glufs*14) in the LAMC2 gene. It is expected to result in an absent or disrupted protein product. Loss-of-function variants in LAMC2 are known to be pathogenic (PMID: 11907499, 16473856).

Literature cited by the submitters: PubMed 11907499; PubMed 16473856.

NM_005562.3(LAMC2):c.2154_2161del (p.Asp718fs)

Gene: LAMC2 (laminin subunit gamma 2; plus strand). Cytogenetic location: 1q25.3.
Variant type: Deletion.
Coding change: c.2154_2161del on transcript NM_005562.3 (MANE Select); coding-DNA positions 2154 to 2161, 8 bases deleted (TACTCACA; older notation c.2154_2161delTACTCACA).
Protein change: p.Asp718fs; shifts the reading frame from aspartic acid 718.
Molecular consequence: frameshift variant.
Genome position (GRCh38, 1-based): chr1:183,232,791-183,232,798, TACTCACA deleted; deleting any 8 consecutive bases within chr1:183,232,790-183,232,798 gives the same sequence; the c. name uses the placement nearest the transcript's 3' end. VCF-style (leftmost placement, unchanged base first): chr1-183232789-GATACTCAC-G. GRCh37 (hg19) VCF-style: chr1-183201924-GATACTCAC-G.
Other names: c.2154_2161del, p.Asp718fs (NM_018891.3); short protein forms D718fs.
Identifiers: ClinVar variation 1987654 (VCV001987654.4), dbSNP rs779658836, ClinGen allele CA1282829.